The following is an entry in ClinVar:

ClinVar aggregate classification (germline): Uncertain significance (1 of 4 stars; one submission).

Allele frequency attached by ClinVar (database versions not stated): gnomAD exomes below 0.00001.

Submission:

Labcorp Genetics (formerly Invitae), Labcorp
Classification: Uncertain significance. Last evaluated: 2022-02-24. Review status: criteria provided, single submitter. Criteria: Invitae Variant Classification Sherloc (09022015). Collection method: clinical testing. Allele origin: germline.
Comment: In summary, the available evidence is currently insufficient to determine the role of this variant in disease. Therefore, it has been classified as a Variant of Uncertain Significance. Algorithms developed to predict the effect of missense changes on protein structure and function (SIFT, PolyPhen-2, Align-GVGD) all suggest that this variant is likely to be disruptive. This variant has not been reported in the literature in individuals affected with GALNT3-related conditions. This variant is not present in population databases (gnomAD no frequency). This sequence change replaces serine, which is neutral and polar, with proline, which is neutral and non-polar, at codon 395 of the GALNT3 protein (p.Ser395Pro).

NM_004482.4(GALNT3):c.1183T>C (p.Ser395Pro)

Gene: GALNT3 (polypeptide N-acetylgalactosaminyltransferase 3; minus strand). Cytogenetic location: 2q24.3.
Variant type: single nucleotide variant.
Coding change: c.1183T>C on transcript NM_004482.4 (MANE Select); coding-DNA position 1183, T replaced by C.
Protein change: p.Ser395Pro; replaces serine 395 with proline.
Molecular consequence: missense variant.
Genome position (GRCh38, 1-based): chr2:165,758,755, A>G on the plus strand (T>C on the coding strand, the complement: GALNT3 is on the minus strand). VCF-style: chr2-165758755-A-G. GRCh37 (hg19) VCF-style: chr2-166615265-A-G.
Other names: short protein forms S395P.
Identifiers: ClinVar variation 1395817 (VCV001395817.6), dbSNP rs2105406653, ClinGen allele CA349036445.